The following is an entry in ClinVar:

ClinVar aggregate classification (germline): Pathogenic. Review status: criteria provided, multiple submitters, no conflicts (2 of 4 stars). 5 submissions from 5 submitters: Pathogenic (5). Last evaluated 2025-12-21.

Conditions:
Hereditary spastic paraplegia 4. Also called: Spastic paraplegia 4, autosomal dominant; Spastic Paraplegia 4; Familial spastic paraplegia autosomal dominant 2. Identifiers: Orphanet 100985, MedGen C1866855, MONDO:0008438, OMIM 182601.
Hereditary spastic paraplegia. Also called: Familial spastic paraparesis. Identifiers: Orphanet 685, MedGen C0037773, MONDO:0019064. Disease mechanism: loss of function.

Submissions (5):

Labcorp Genetics (formerly Invitae), Labcorp
Classification: Pathogenic for Hereditary spastic paraplegia 4. Last evaluated: 2025-12-21. Review status: criteria provided, single submitter. Criteria: Invitae Variant Classification Sherloc (09022015). Collection method: clinical testing. Allele origin: germline.
Comment: This sequence change creates a premature translational stop signal (p.Ser249*) in the SPAST gene. It is expected to result in an absent or disrupted protein product. Loss-of-function variants in SPAST are known to be pathogenic (PMID: 20932283). This variant is not present in population databases (gnomAD no frequency). This premature translational stop signal has been observed in individual(s) with hereditary spastic paraplegia (PMID: 12124993). ClinVar contains an entry for this variant (Variation ID: 586665). Algorithms developed to predict the effect of sequence changes on RNA splicing suggest that this variant may disrupt the consensus splice site. For these reasons, this variant has been classified as Pathogenic.

CeGaT Center for Human Genetics Tuebingen
Classification: Pathogenic. Last evaluated: 2024-05-01. Review status: criteria provided, single submitter. Criteria: CeGaT Center For Human Genetics Tuebingen Variant Classification Criteria Version 2. Collection method: clinical testing. Allele origin: germline. Affected: yes. Observed: 1 variant allele.
Comment: SPAST: PVS1, PM2, PS4:Supporting

Institute of Medical Genetics and Applied Genomics, University Hospital Tübingen
Classification: Pathogenic. Last evaluated: 2020-10-23. Review status: criteria provided, single submitter. Criteria: ACMG Guidelines, 2015. Collection method: clinical testing. Allele origin: germline. Inheritance: Unknown mechanism. Affected: yes.

Athena Diagnostics
Classification: Pathogenic. Last evaluated: 2018-04-03. Review status: criteria provided, single submitter. Criteria: Athena Diagnostics Criteria. Collection method: clinical testing. Allele origin: germline.

Genome Diagnostics Laboratory, The Hospital for Sick Children
Classification: Pathogenic for Hereditary spastic paraplegia. Last evaluated: 2018-04-01. Review status: criteria provided, single submitter. Criteria: ACMG Guidelines, 2015. Collection method: clinical testing. Allele origin: germline. Affected: yes.

Literature cited by the submitters: PubMed 20932283 (cited by Labcorp Genetics (formerly Invitae), Labcorp and Athena Diagnostics); PubMed 12124993 (cited by Labcorp Genetics (formerly Invitae), Labcorp and Athena Diagnostics).

NM_014946.4(SPAST):c.746C>G (p.Ser249Ter)

Gene: SPAST (spastin; plus strand). Cytogenetic location: 2p22.3.
Variant type: single nucleotide variant.
Coding change: c.746C>G on transcript NM_014946.4 (MANE Select); coding-DNA position 746, C replaced by G.
Protein change: p.Ser249Ter; replaces serine 249 with a stop codon.
Molecular consequence: nonsense.
Genome position (GRCh38, 1-based): chr2:32,114,701, C>G. VCF-style: chr2-32114701-C-G. GRCh37 (hg19) VCF-style: chr2-32339770-C-G.
Other names: c.743C>G, p.Ser248Ter (NM_001363823.2); c.647C>G, p.Ser216Ter (NM_001363875.2); c.650C>G, p.Ser217Ter (NM_001377959.1, NM_199436.2); short protein forms S249*, S216*, S217*, S248*.
Identifiers: ClinVar variation 586665 (VCV000586665.29), dbSNP rs1553314902, ClinGen allele CA346498458.